The following is an entry in ClinVar:

NM_145207.3(AFG2A):c.616C>A (p.Pro206Thr)

Gene: AFG2A (AFG2 AAA ATPase homolog A; plus strand). Cytogenetic location: 4q28.1.
Variant type: single nucleotide variant.
Coding change: c.616C>A on transcript NM_145207.3 (MANE Select); coding-DNA position 616, C replaced by A.
Protein change: p.Pro206Thr; replaces proline 206 with threonine.
Molecular consequence: missense variant.
Genome position (GRCh38, 1-based): chr4:122,934,207, C>A. VCF-style: chr4-122934207-C-A. GRCh37 (hg19) VCF-style: chr4-123855362-C-A.
Other names: c.613C>A, p.Pro205Thr (NM_001317799.2, NM_001345856.2); short protein forms P206T, P205T.
Identifiers: ClinVar variation 1045925 (VCV001045925.2), dbSNP rs1728922371, ClinGen allele CA358101668.
Genomic context (GRCh38, chr4:122,934,207, plus strand): 5'-CGACCGTACAAGCTGCAAGTATTGCGAGTGAAAGGGGCAGATGGCATGATATTGGGAGGG[C>A]CTCAGAGTGACTCTGACACTGATGCCCAAAGAATGGCCTTTGAACAGTCCAGCATGGAAA-3'
Protein context (NP_660208.2, residues 196-216): KGADGMILGG[Pro206Thr]QSDSDTDAQR

ClinVar aggregate classification (germline): Uncertain significance (1 of 4 stars; one submission).

Conditions:
Microcephaly-intellectual disability-sensorineural hearing loss-epilepsy-abnormal muscle tone syndrome (NEDHSB). Also called: NEURODEVELOPMENTAL DISORDER WITH HEARING LOSS, SEIZURES, AND BRAIN ABNORMALITIES. Identifiers: Orphanet 457351, MedGen C4225276, MONDO:0014698, OMIM 616577.

Allele frequency attached by ClinVar (database versions not stated): gnomAD exomes below 0.00001; TOPMed below 0.00001; gnomAD 0.00001.
gnomAD v4.1: 6 of 1,614,032 alleles (0.00037%); highest among the groups gnomAD compares: Admixed American, 0.0083%; no homozygotes.

Submission:

Labcorp Genetics (formerly Invitae), Labcorp
Classification: Uncertain significance for Microcephaly-intellectual disability-sensorineural hearing loss-epilepsy-abnormal muscle tone syndrome. Last evaluated: 2022-02-24. Review status: criteria provided, single submitter. Criteria: Invitae Variant Classification Sherloc (09022015). Collection method: clinical testing. Allele origin: germline.
Comment: This sequence change replaces proline, which is neutral and non-polar, with threonine, which is neutral and polar, at codon 206 of the SPATA5 protein (p.Pro206Thr). This variant is not present in population databases (gnomAD no frequency). This variant has not been reported in the literature in individuals affected with SPATA5-related conditions. ClinVar contains an entry for this variant (Variation ID: 1045925). Algorithms developed to predict the effect of missense changes on protein structure and function (SIFT, PolyPhen-2, Align-GVGD) all suggest that this variant is likely to be tolerated. In summary, the available evidence is currently insufficient to determine the role of this variant in disease. Therefore, it has been classified as a Variant of Uncertain Significance.